The following is an entry in ClinVar:

NM_001177701.3(IFT27):c.323G>A (p.Arg108Gln)

Genes: CACNG2-DT (CACNG2 divergent transcript; plus strand), IFT27 (intraflagellar transport 27; minus strand). Cytogenetic location: 22q12.3.
Variant type: single nucleotide variant.
Coding change: c.323G>A on transcript NM_001177701.3 (MANE Select); coding-DNA position 323, G replaced by A.
Protein change: p.Arg108Gln; replaces arginine 108 with glutamine.
Molecular consequence: missense variant.
Genome position (GRCh38, 1-based): chr22:36,763,948, C>T on the plus strand (G>A on the coding strand, the complement: IFT27 is on the minus strand). VCF-style: chr22-36763948-C-T. GRCh37 (hg19) VCF-style: chr22-37159992-C-T.
Other names: c.323G>A, p.Arg108Gln (NM_001363003.2); c.320G>A, p.Arg107Gln (NM_006860.5); c.320G>A (NM_006860.4); short protein forms R107Q, R108Q.
Identifiers: ClinVar variation 1058800 (VCV001058800.7), dbSNP rs138336051, ClinGen allele CA10212413.

ClinVar aggregate classification (germline): Uncertain significance. Review status: criteria provided, single submitter (1 of 4 stars). 2 submissions from 2 submitters: Uncertain significance (1). 1 of the submissions does not count toward it. Last evaluated 2022-07-30.

Conditions:
IFT27-related disorder. Also called: IFT27-related condition.

Allele frequency attached by ClinVar (database versions not stated): ExAC 0.00002; gnomAD exomes 0.00002 and 0.00003; gnomAD 0.00003 and 0.00004; TOPMed 0.00008; ESP Exome Variant Server 0.00023.
gnomAD v4.1: 47 of 1,613,704 alleles (0.0029%); highest among the groups gnomAD compares: African/African-American, 0.011%; no homozygotes.

Submissions (2):

Labcorp Genetics (formerly Invitae), Labcorp
Classification: Uncertain significance. Last evaluated: 2022-07-30. Review status: criteria provided, single submitter. Criteria: Invitae Variant Classification Sherloc (09022015). Collection method: clinical testing. Allele origin: germline.
Comment: This sequence change replaces arginine, which is basic and polar, with glutamine, which is neutral and polar, at codon 107 of the IFT27 protein (p.Arg107Gln). This variant is present in population databases (rs138336051, gnomAD 0.003%). This variant has not been reported in the literature in individuals affected with IFT27-related conditions. ClinVar contains an entry for this variant (Variation ID: 1058800). Advanced modeling of protein sequence and biophysical properties (such as structural, functional, and spatial information, amino acid conservation, physicochemical variation, residue mobility, and thermodynamic stability) performed at Invitae indicates that this missense variant is not expected to disrupt IFT27 protein function. In summary, the available evidence is currently insufficient to determine the role of this variant in disease. Therefore, it has been classified as a Variant of Uncertain Significance.

PreventionGenetics, part of Exact Sciences
Classification: Uncertain significance for IFT27-related condition. Last evaluated: 2024-08-13. Review status: no assertion criteria provided. Collection method: clinical testing. Allele origin: germline. Not counted in ClinVar's aggregate classification.
Comment: The IFT27 c.320G>A variant is predicted to result in the amino acid substitution p.Arg107Gln. To our knowledge, this variant has not been reported in the literature. This variant is reported in 0.0062% of alleles in individuals of African descent in gnomAD. At this time, the clinical significance of this variant is uncertain due to the absence of conclusive functional and genetic evidence.